The following is an entry in ClinVar:

ClinVar aggregate classification (germline): Uncertain significance. Review status: criteria provided, multiple submitters, no conflicts (2 of 4 stars). 2 submissions from 2 submitters: Uncertain significance (2). Last evaluated 2025-11-08.

Conditions:
Inborn genetic diseases. Identifiers: MedGen C0950123, MeSH D030342.

Allele frequency attached by ClinVar (database versions not stated): gnomAD exomes below 0.00001; gnomAD 0.00001; TOPMed 0.00002.
gnomAD v4.1: 4 of 1,613,524 alleles (0.00025%); highest among the groups gnomAD compares: African/African-American, 0.0053%; no homozygotes.

Submissions (2):

Ambry Genetics
Classification: Uncertain significance for Inborn genetic diseases. Last evaluated: 2025-11-08. Review status: criteria provided, single submitter. Criteria: Ambry Variant Classification Scheme 2023. Collection method: clinical testing. Allele origin: germline.

Labcorp Genetics (formerly Invitae), Labcorp
Classification: Uncertain significance. Last evaluated: 2022-07-06. Review status: criteria provided, single submitter. Criteria: Invitae Variant Classification Sherloc (09022015). Collection method: clinical testing. Allele origin: germline.
Comment: ClinVar contains an entry for this variant (Variation ID: 1349109). This variant has not been reported in the literature in individuals affected with ADGRV1-related conditions. This variant is not present in population databases (gnomAD no frequency). This sequence change replaces isoleucine, which is neutral and non-polar, with threonine, which is neutral and polar, at codon 3756 of the ADGRV1 protein (p.Ile3756Thr). Algorithms developed to predict the effect of missense changes on protein structure and function are either unavailable or do not agree on the potential impact of this missense change (SIFT: "Deleterious"; PolyPhen-2: "Possibly Damaging"; Align-GVGD: "Class C0"). In summary, the available evidence is currently insufficient to determine the role of this variant in disease. Therefore, it has been classified as a Variant of Uncertain Significance.

NM_032119.4(ADGRV1):c.11267T>C (p.Ile3756Thr)

Gene: ADGRV1 (adhesion G protein-coupled receptor V1; plus strand). Cytogenetic location: 5q14.3.
Variant type: single nucleotide variant.
Coding change: c.11267T>C on transcript NM_032119.4 (MANE Select); coding-DNA position 11267, T replaced by C.
Protein change: p.Ile3756Thr; replaces isoleucine 3756 with threonine.
Molecular consequence: missense variant. On other transcripts: non-coding transcript variant (1).
Genome position (GRCh38, 1-based): chr5:90,753,719, T>C. VCF-style: chr5-90753719-T-C. GRCh37 (hg19) VCF-style: chr5-90049536-T-C.
Other names: c.11267T>C (NM_032119.3); short protein forms I3756T.
Identifiers: ClinVar variation 1349109 (VCV001349109.9), dbSNP rs1305074821, ClinGen allele CA360365156.